The following is an entry in ClinVar:

NM_014915.3(ANKRD26):c.1483C>T (p.His495Tyr)

Gene: ANKRD26 (ankyrin repeat domain containing 26; minus strand). Cytogenetic location: 10p12.1.
Variant type: single nucleotide variant.
Coding change: c.1483C>T on transcript NM_014915.3 (MANE Select); coding-DNA position 1483, C replaced by T.
Protein change: p.His495Tyr; replaces histidine 495 with tyrosine.
Molecular consequence: missense variant.
Genome position (GRCh38, 1-based): chr10:27,060,520, G>A on the plus strand (C>T on the coding strand, the complement: ANKRD26 is on the minus strand). VCF-style: chr10-27060520-G-A. GRCh37 (hg19) VCF-style: chr10-27349449-G-A.
Other names: c.1483C>T, p.His495Tyr (NM_001256053.2); short protein forms H495Y.
Identifiers: ClinVar variation 2396102 (VCV002396102.4), dbSNP rs1377543920, ClinGen allele CA376357669.
Genomic context (GRCh38, chr10:27,060,520, plus strand): 5'-CTTTATACAATATGCACTTAATAATTCAAGATAAAAATATAAAACTTATTACCTTCAAGT[G>A]AAGATATCTCTCAGGAGACTCTAAAAACCAAAAGGGACATATAATCAATTATACATAAAT-3'
Protein context (NP_055730.2, residues 485-505): AHMESPERYL[His495Tyr]LKPTIEMKDS

ClinVar aggregate classification (germline): Uncertain significance. Review status: criteria provided, multiple submitters, no conflicts (2 of 4 stars). 2 submissions from 2 submitters: Uncertain significance (2). Last evaluated 2024-11-28.

Conditions:
Inborn genetic diseases. Identifiers: MedGen C0950123, MeSH D030342.

Allele frequency attached by ClinVar (database versions not stated): gnomAD exomes 0.00001; gnomAD 0.00002; TOPMed 0.00002.
gnomAD v4.1: 18 of 1,547,824 alleles (0.0012%); highest among the groups gnomAD compares: Non-Finnish European, 0.0016%; no homozygotes.

Submissions (2):

Ambry Genetics
Classification: Uncertain significance for Inborn genetic diseases. Last evaluated: 2024-11-28. Review status: criteria provided, single submitter. Criteria: Ambry Variant Classification Scheme 2023. Collection method: clinical testing. Allele origin: germline.
Comment: The p.H495Y variant (also known as c.1483C>T), located in coding exon 14 of the ANKRD26 gene, results from a C to T substitution at nucleotide position 1483. The histidine at codon 495 is replaced by tyrosine, an amino acid with similar properties. This amino acid position is conserved. In addition, this alteration is predicted to be tolerated by in silico analysis. Based on the available evidence, the clinical significance of this variant remains unclear.

GeneDx
Classification: Uncertain significance. Last evaluated: 2022-10-13. Review status: criteria provided, single submitter. Criteria: GeneDx Variant Classification Process June 2021. Collection method: clinical testing. Allele origin: germline. Affected: yes.
Comment: Not observed at significant frequency in large population cohorts (gnomAD); In silico analysis supports that this missense variant does not alter protein structure/function; Has not been previously published as pathogenic or benign to our knowledge